The following is an entry in ClinVar:

ClinVar aggregate classification (germline): Conflicting classifications of pathogenicity. Review status: criteria provided, conflicting classifications (1 of 4 stars). 2 submissions from 2 submitters: Uncertain significance (1); Likely benign (1). Last evaluated 2026-01-22.

Conditions:
Familial thoracic aortic aneurysm and aortic dissection (TAAD). Also called: Thoracic aortic aneurysms and dissections. Identifiers: Orphanet 91387, MedGen C4707243, MONDO:0019625.
Adams-Oliver syndrome 5 (AOS5). Identifiers: Orphanet 974, MedGen C4014970, MONDO:0014459, OMIM 616028.

Allele frequency attached by ClinVar (database versions not stated): gnomAD 0.00001; gnomAD exomes 0.00001; TOPMed 0.00001.
gnomAD v4.1: 18 of 1,609,924 alleles (0.0011%); highest among the groups gnomAD compares: Non-Finnish European, 0.0014%; no homozygotes.

Submissions (2):

Labcorp Genetics (formerly Invitae), Labcorp
Classification: Likely benign for Adams-Oliver syndrome 5. Last evaluated: 2026-01-22. Review status: criteria provided, single submitter. Criteria: Invitae Variant Classification Sherloc (09022015). Collection method: clinical testing. Allele origin: germline.

Ambry Genetics
Classification: Uncertain significance for Familial thoracic aortic aneurysm and aortic dissection. Last evaluated: 2021-07-22. Review status: criteria provided, single submitter. Criteria: Ambry Variant Classification Scheme 2023. Collection method: clinical testing. Allele origin: germline.
Comment: The p.N871D variant (also known as c.2611A>G), located in coding exon 17 of the NOTCH1 gene, results from an A to G substitution at nucleotide position 2611. The asparagine at codon 871 is replaced by aspartic acid, an amino acid with highly similar properties. This amino acid position is conserved. In addition, this alteration is predicted to be tolerated by in silico analysis. Since supporting evidence is limited at this time, the clinical significance of this alteration remains unclear.

NM_017617.5(NOTCH1):c.2611A>G (p.Asn871Asp)

Gene: NOTCH1 (notch receptor 1; minus strand). Cytogenetic location: 9q34.3.
Variant type: single nucleotide variant.
Coding change: c.2611A>G on transcript NM_017617.5 (MANE Select); coding-DNA position 2611, A replaced by G.
Protein change: p.Asn871Asp; replaces asparagine 871 with aspartic acid.
Molecular consequence: missense variant.
Genome position (GRCh38, 1-based): chr9:136,510,782, T>C on the plus strand (A>G on the coding strand, the complement: NOTCH1 is on the minus strand). VCF-style: chr9-136510782-T-C. GRCh37 (hg19) VCF-style: chr9-139405234-T-C.
Other names: c.2611A>G, p.Asn871Asp (LRG_1122t1); short protein forms N871D.
Identifiers: ClinVar variation 644226 (VCV000644226.12), dbSNP rs200235006, ClinGen allele CA201583589.